The following is an entry in ClinVar:

NM_001367624.2(ZNF469):c.988C>A (p.Pro330Thr)

Gene: ZNF469 (zinc finger protein 469; plus strand). Cytogenetic location: 16q24.2.
Variant type: single nucleotide variant.
Coding change: c.988C>A on transcript NM_001367624.2 (MANE Select); coding-DNA position 988, C replaced by A.
Protein change: p.Pro330Thr; replaces proline 330 with threonine.
Molecular consequence: missense variant.
Genome position (GRCh38, 1-based): chr16:88,428,458, C>A. VCF-style: chr16-88428458-C-A. GRCh37 (hg19) VCF-style: chr16-88494866-C-A.
Other names: NM_001127464.1:c.988C>A; short protein forms P330T.
Identifiers: ClinVar variation 4866969 (VCV004866969.1).
Genomic context (GRCh38, chr16:88,428,458, plus strand): 5'-CAGGGAGCGTGGCCGGAGGAGGCCGTGGGCACGGGCCCTGCCTACCCGCTGCCCACCCAG[C>A]CTGCGCCCTCACCCCTGCCCTGCTACCAGGGCCAGCCAGGTGGCCTGAACCGCCACAGCG-3'
Protein context (NP_001354553.1, residues 320-340): TGPAYPLPTQ[Pro330Thr]APSPLPCYQG

ClinVar aggregate classification (germline): Uncertain significance (1 of 4 stars; one submission).

Conditions:
Cardiovascular phenotype. Identifiers: MedGen CN230736.

Submission:

Ambry Genetics
Classification: Uncertain significance for Cardiovascular phenotype. Last evaluated: 2026-03-23. Review status: criteria provided, single submitter. Criteria: Ambry Variant Classification Scheme 2023. Collection method: clinical testing. Allele origin: germline.
Comment: The p.P330T variant (also known as c.988C>A), located in coding exon 1 of the ZNF469 gene, results from a C to A substitution at nucleotide position 988. The proline at codon 330 is replaced by threonine, an amino acid with highly similar properties. This amino acid position is conserved. In addition, this alteration is predicted to be tolerated by in silico analysis. Based on the available evidence, the clinical significance of this variant remains unclear.